The following is an entry in ClinVar:

NM_001458.5(FLNC):c.2616C>T (p.Ala872=)

Gene: FLNC (filamin C; plus strand). Cytogenetic location: 7q32.1.
Variant type: single nucleotide variant.
Coding change: c.2616C>T on transcript NM_001458.5 (MANE Select); coding-DNA position 2616, C replaced by T.
Protein change: p.Ala872=; no amino-acid change (alanine 872 retained).
Molecular consequence: synonymous variant.
Genome position (GRCh38, 1-based): chr7:128,843,294, C>T. VCF-style: chr7-128843294-C-T. GRCh37 (hg19) VCF-style: chr7-128483348-C-T.
Other names: c.2616C>T, p.Ala872= (NM_001127487.2).
Identifiers: ClinVar variation 539502 (VCV000539502.21), dbSNP rs769947935, ClinGen allele CA166176249.

ClinVar aggregate classification (germline): Likely benign. Review status: criteria provided, multiple submitters, no conflicts (2 of 4 stars). 4 submissions from 4 submitters: Likely benign (4). Last evaluated 2025-12-22.

Conditions:
FLNC-related disorder. Also called: FLNC-related disorders; FLNC-related condition.
Myofibrillar myopathy 5. Also called: Filaminopathy (type); FILAMINOPATHY, AUTOSOMAL DOMINANT. Identifiers: Orphanet 171445, MedGen C1836050, MONDO:0012289, OMIM 609524.
Distal myopathy with posterior leg and anterior hand involvement. Also called: WILLIAMS DISTAL MYOPATHY. Identifiers: Orphanet 63273, MedGen C3279722, MONDO:0013550, OMIM 614065.
Hypertrophic cardiomyopathy 26. Also called: Cardiomyopathy, familial hypertrophic, 26. Identifiers: Orphanet 75249, MedGen C4310749, MONDO:0014883, OMIM 617047.
Cardiovascular phenotype. Identifiers: MedGen CN230736.

Allele frequency attached by ClinVar (database versions not stated): gnomAD exomes below 0.00001; TOPMed 0.00001.
gnomAD v4.1: 30 of 1,612,650 alleles (0.0019%); highest among the groups gnomAD compares: Non-Finnish European, 0.0024%; no homozygotes.

Submissions (4):

Labcorp Genetics (formerly Invitae), Labcorp
Classification: Likely benign for Distal myopathy with posterior leg and anterior hand involvement; Myofibrillar myopathy 5; Hypertrophic cardiomyopathy 26. Last evaluated: 2025-12-22. Review status: criteria provided, single submitter. Criteria: Invitae Variant Classification Sherloc (09022015). Collection method: clinical testing. Allele origin: germline.

CeGaT Center for Human Genetics Tuebingen
Classification: Likely benign. Last evaluated: 2025-06-01. Review status: criteria provided, single submitter. Criteria: CeGaT Center For Human Genetics Tuebingen Variant Classification Criteria Version 2. Collection method: clinical testing. Allele origin: germline. Affected: yes. Observed: 1 variant allele.
Comment: FLNC: BP4, BP7

PreventionGenetics, part of Exact Sciences
Classification: Likely benign for FLNC-related condition. Last evaluated: 2025-03-30. Review status: criteria provided, single submitter. Criteria: ACMG Guidelines, 2015. Collection method: clinical testing. Allele origin: germline.
Comment: This variant is classified as likely benign based on ACMG/AMP sequence variant interpretation guidelines (Richards et al. 2015 PMID: 25741868, with internal and published modifications).

Ambry Genetics
Classification: Likely benign for Cardiovascular phenotype. Last evaluated: 2023-11-01. Review status: criteria provided, single submitter. Criteria: Ambry Variant Classification Scheme 2023. Collection method: clinical testing. Allele origin: germline.